The following is an entry in ClinVar:

ClinVar aggregate classification (germline): Uncertain significance (1 of 4 stars; one submission).

Allele frequency attached by ClinVar (database versions not stated): TOPMed below 0.00001; gnomAD 0.00001.
gnomAD v4.1: 3 of 1,575,678 alleles (0.00019%); highest among the groups gnomAD compares: Non-Finnish European, 0.00026%; no homozygotes.

Submission:

Ambry Genetics
Classification: Uncertain significance. Last evaluated: 2022-11-04. Review status: criteria provided, single submitter. Criteria: Ambry Variant Classification Scheme 2023. Collection method: clinical testing. Allele origin: germline.
Comment: The p.G1462E variant (also known as c.4385G>A), located in coding exon 34 of the PRKDC gene, results from a G to A substitution at nucleotide position 4385. The glycine at codon 1462 is replaced by glutamic acid, an amino acid with similar properties. This amino acid position is conserved. Since supporting evidence is limited at this time, the clinical significance of this alteration remains unclear.

NM_006904.7(PRKDC):c.4385G>A (p.Gly1462Glu)

Gene: PRKDC (protein kinase, DNA-activated, catalytic subunit; minus strand). Cytogenetic location: 8q11.21.
Variant type: single nucleotide variant.
Coding change: c.4385G>A on transcript NM_006904.7 (MANE Select); coding-DNA position 4385, G replaced by A.
Protein change: p.Gly1462Glu; replaces glycine 1462 with glutamic acid.
Molecular consequence: missense variant.
Genome position (GRCh38, 1-based): chr8:47,888,546, C>T on the plus strand (G>A on the coding strand, the complement: PRKDC is on the minus strand). VCF-style: chr8-47888546-C-T. GRCh37 (hg19) VCF-style: chr8-48801107-C-T.
Other names: c.4385G>A, p.Gly1462Glu (NM_001081640.2); short protein forms G1462E.
Identifiers: ClinVar variation 2453113 (VCV002453113.2), dbSNP rs1464546688, ClinGen allele CA371145505.